The following is an entry in ClinVar:

NM_003011.4(SET):c.138dup (p.Glu47Ter)

Gene: SET (SET nuclear proto-oncogene; plus strand). Cytogenetic location: 9q34.11.
Variant type: Duplication.
Coding change: c.138dup on transcript NM_003011.4 (MANE Select); coding-DNA position 138, one base duplicated (T; older notation c.138dupT).
Protein change: p.Glu47Ter; replaces glutamic acid 47 with a stop codon.
Molecular consequence: nonsense.
Genome position (GRCh38, 1-based): chr9:128,691,864, T duplicated. VCF-style (leftmost placement, unchanged base first): chr9-128691863-A-AT. GRCh37 (hg19) VCF-style: chr9-131454142-A-AT.
Other names: c.177dup, p.Glu60Ter (NM_001122821.2, NM_001374326.1); c.111dup, p.Glu38Ter (NM_001248000.2); c.105dup, p.Glu36Ter (NM_001248001.2); short protein forms E36*, E38*, E47*, E60*.
Identifiers: ClinVar variation 2505260 (VCV002505260.1), dbSNP rs2523226839, ClinGen allele CA2580617107.
Genomic context (GRCh38, chr9:128,691,863, plus strand): 5'-ATTTTTTAATTTGTTAAATACTATCATTGTCAACATCTCTTTTCATTTGCTTCAGACTTA[A>AT]TGAACAAGCCAGTGAGGAGATTTTGAAAGTAGAACAGAAATATAACAAACTCCGCCAACC-3'

ClinVar aggregate classification (germline): Likely pathogenic (1 of 4 stars; one submission).

Conditions:
Intellectual developmental disorder, autosomal dominant 58. Also called: MENTAL RETARDATION, AUTOSOMAL DOMINANT 58; Intellectual disability, autosomal dominant 58. Identifiers: MedGen C4748195, MONDO:0020847, OMIM 618106.

Submission:

Greenwood Genetic Center Diagnostic Laboratories, Greenwood Genetic Center
Classification: Likely pathogenic for Intellectual developmental disorder, autosomal dominant 58. Last evaluated: 2023-02-01. Review status: criteria provided, single submitter. Criteria: ACMG Guidelines, 2015. Collection method: clinical testing. Allele origin: germline. Affected: yes.
Comment: PVS1, PM2